The following is an entry in ClinVar:

NM_198576.4(AGRN):c.1298G>C (p.Gly433Ala)

Gene: AGRN (agrin; plus strand). Cytogenetic location: 1p36.33.
Variant type: single nucleotide variant.
Coding change: c.1298G>C on transcript NM_198576.4 (MANE Select); coding-DNA position 1298, G replaced by C.
Protein change: p.Gly433Ala; replaces glycine 433 with alanine.
Molecular consequence: missense variant.
Genome position (GRCh38, 1-based): chr1:1,042,076, G>C. VCF-style: chr1-1042076-G-C. GRCh37 (hg19) VCF-style: chr1-977456-G-C.
Other names: c.1298G>C, p.Gly433Ala (NM_001305275.2); c.983G>C, p.Gly328Ala (NM_001364727.2); c.1298G>C (NM_198576.3); short protein forms G328A, G433A.
Identifiers: ClinVar variation 2039890 (VCV002039890.2), dbSNP rs1416361848, ClinGen allele CA337828119.

ClinVar aggregate classification (germline): Uncertain significance. Review status: criteria provided, multiple submitters, no conflicts (2 of 4 stars). 2 submissions from 2 submitters: Uncertain significance (2). Last evaluated 2025-08-29.

Conditions:
Inborn genetic diseases. Identifiers: MedGen C0950123, MeSH D030342.
Congenital myasthenic syndrome 8. Also called: Myasthenic syndrome, congenital, 8, with pre- and postsynaptic defects; MYASTHENIC SYNDROME, CONGENITAL, DUE TO AGRIN DEFICIENCY. Identifiers: Orphanet 590, MedGen C3808739, MONDO:0014052, OMIM 615120.

Allele frequency attached by ClinVar (database versions not stated): TOPMed 0.00001.
gnomAD v4.1: 2 of 1,606,364 alleles (0.00012%); highest among the groups gnomAD compares: Non-Finnish European, 0.00017%; no homozygotes.

Submissions (2):

Ambry Genetics
Classification: Uncertain significance for Inborn genetic diseases. Last evaluated: 2025-08-29. Review status: criteria provided, single submitter. Criteria: Ambry Variant Classification Scheme 2023. Collection method: clinical testing. Allele origin: germline.

Labcorp Genetics (formerly Invitae), Labcorp
Classification: Uncertain significance for Congenital myasthenic syndrome 8. Last evaluated: 2022-08-22. Review status: criteria provided, single submitter. Criteria: Invitae Variant Classification Sherloc (09022015). Collection method: clinical testing. Allele origin: germline.
Comment: This sequence change replaces glycine, which is neutral and non-polar, with alanine, which is neutral and non-polar, at codon 433 of the AGRN protein (p.Gly433Ala). This variant is not present in population databases (gnomAD no frequency). This variant has not been reported in the literature in individuals affected with AGRN-related conditions. Algorithms developed to predict the effect of missense changes on protein structure and function are either unavailable or do not agree on the potential impact of this missense change (SIFT: "Tolerated"; PolyPhen-2: "Probably Damaging"; Align-GVGD: "Class C0"). In summary, the available evidence is currently insufficient to determine the role of this variant in disease. Therefore, it has been classified as a Variant of Uncertain Significance.